The following is an entry in ClinVar:

NM_005560.6(LAMA5):c.889G>A (p.Gly297Arg)

Gene: LAMA5 (laminin subunit alpha 5; minus strand). Cytogenetic location: 20q13.33.
Variant type: single nucleotide variant.
Coding change: c.889G>A on transcript NM_005560.6 (MANE Select); coding-DNA position 889, G replaced by A.
Protein change: p.Gly297Arg; replaces glycine 297 with arginine.
Molecular consequence: missense variant.
Genome position (GRCh38, 1-based): chr20:62,351,771, C>T on the plus strand (G>A on the coding strand, the complement: LAMA5 is on the minus strand). VCF-style: chr20-62351771-C-T. GRCh37 (hg19) VCF-style: chr20-60926827-C-T.
Other names: short protein forms G297R.
Identifiers: ClinVar variation 4774764 (VCV004774764.1).

ClinVar aggregate classification (germline): Uncertain significance (1 of 4 stars; one submission).

gnomAD v4.1: 1 of 1,610,844 alleles (0.000062%); highest among the groups gnomAD compares: Non-Finnish European, 0.000085%; no homozygotes.

Submission:

Labcorp Genetics (formerly Invitae), Labcorp
Classification: Uncertain significance. Last evaluated: 2026-01-25. Review status: criteria provided, single submitter. Criteria: Invitae Variant Classification Sherloc (09022015). Collection method: clinical testing. Allele origin: germline.
Comment: This sequence change replaces glycine, which is neutral and non-polar, with arginine, which is basic and polar, at codon 297 of the LAMA5 protein (p.Gly297Arg). This variant is not present in population databases (gnomAD no frequency). This variant has not been reported in the literature in individuals affected with LAMA5-related conditions. An algorithm developed to predict the effect of missense changes on protein structure and function (PolyPhen-2) suggests that this variant is likely to be disruptive. In summary, the available evidence is currently insufficient to determine the role of this variant in disease. Therefore, it has been classified as a Variant of Uncertain Significance.